The following is an entry in ClinVar:

ClinVar aggregate classification (germline): Uncertain significance (1 of 4 stars; one submission).

Allele frequency attached by ClinVar (database versions not stated): 1000 Genomes Project 0.00020; TOPMed below 0.00001; gnomAD 0.00001; ExAC 0.00004; 1000 Genomes Project 30x 0.00016.
gnomAD v4.1: 31 of 1,614,138 alleles (0.0019%); highest among the groups gnomAD compares: South Asian, 0.023%; no homozygotes.

Submission:

Labcorp Genetics (formerly Invitae), Labcorp
Classification: Uncertain significance. Last evaluated: 2022-06-05. Review status: criteria provided, single submitter. Criteria: Invitae Variant Classification Sherloc (09022015). Collection method: clinical testing. Allele origin: germline.
Comment: This sequence change replaces arginine, which is basic and polar, with histidine, which is basic and polar, at codon 833 of the LAMC3 protein (p.Arg833His). This variant is present in population databases (rs201590096, gnomAD 0.02%). This variant has not been reported in the literature in individuals affected with LAMC3-related conditions. Algorithms developed to predict the effect of missense changes on protein structure and function are either unavailable or do not agree on the potential impact of this missense change (SIFT: "Deleterious"; PolyPhen-2: "Benign"; Align-GVGD: "Class C0"). In summary, the available evidence is currently insufficient to determine the role of this variant in disease. Therefore, it has been classified as a Variant of Uncertain Significance.

NM_006059.4(LAMC3):c.2498G>A (p.Arg833His)

Gene: LAMC3 (laminin subunit gamma 3; plus strand). Cytogenetic location: 9q34.12.
Variant type: single nucleotide variant.
Coding change: c.2498G>A on transcript NM_006059.4 (MANE Select); coding-DNA position 2498, G replaced by A.
Protein change: p.Arg833His; replaces arginine 833 with histidine.
Molecular consequence: missense variant.
Genome position (GRCh38, 1-based): chr9:131,067,110, G>A. VCF-style: chr9-131067110-G-A. GRCh37 (hg19) VCF-style: chr9-133942497-G-A.
Other names: short protein forms R833H.
Identifiers: ClinVar variation 1950679 (VCV001950679.2), dbSNP rs201590096, ClinGen allele CA5287454.
Genomic context (GRCh38, chr9:131,067,110, plus strand): 5'-GCGGGAACGTGGACCCCAATGCCGTGGGCAACTGTGACCCCCTGTCTGGCCACTGCCTGC[G>A]CTGCCTGCACAACACCACGGGTGACCACTGTGAGCACTGTCAGGAAGGCTTCTACGGGAG-3'
Protein context (NP_006050.3, residues 823-843): NCDPLSGHCL[Arg833His]CLHNTTGDHC